The following is an entry in ClinVar:

ClinVar aggregate classification (germline): Uncertain significance (1 of 4 stars; one submission).

Allele frequency attached by ClinVar (database versions not stated): gnomAD 0.00001; gnomAD exomes 0.00001; TOPMed 0.00001.
gnomAD v4.1: 20 of 1,608,838 alleles (0.0012%); highest among the groups gnomAD compares: African/African-American, 0.0027%; no homozygotes.

Submission:

Labcorp Genetics (formerly Invitae), Labcorp
Classification: Uncertain significance. Last evaluated: 2022-01-18. Review status: criteria provided, single submitter. Criteria: Invitae Variant Classification Sherloc (09022015). Collection method: clinical testing. Allele origin: germline.
Comment: Algorithms developed to predict the effect of missense changes on protein structure and function output the following: SIFT: "Tolerated"; PolyPhen-2: "Benign"; Align-GVGD: "Class C0". The lysine amino acid residue is found in multiple mammalian species, which suggests that this missense change does not adversely affect protein function. This variant has not been reported in the literature in individuals affected with RGS9-related conditions. This variant is present in population databases (no rsID available, gnomAD 0.0009%). This sequence change replaces glutamic acid, which is acidic and polar, with lysine, which is basic and polar, at codon 555 of the RGS9 protein (p.Glu555Lys). In summary, the available evidence is currently insufficient to determine the role of this variant in disease. Therefore, it has been classified as a Variant of Uncertain Significance.

NM_003835.4(RGS9):c.1663G>A (p.Glu555Lys)

Gene: RGS9 (regulator of G protein signaling 9; plus strand). Cytogenetic location: 17q24.1.
Variant type: single nucleotide variant.
Coding change: c.1663G>A on transcript NM_003835.4 (MANE Select); coding-DNA position 1663, G replaced by A.
Protein change: p.Glu555Lys; replaces glutamic acid 555 with lysine.
Molecular consequence: missense variant.
Genome position (GRCh38, 1-based): chr17:65,225,257, G>A. VCF-style: chr17-65225257-G-A. GRCh37 (hg19) VCF-style: chr17-63221375-G-A.
Other names: c.1654G>A, p.Glu552Lys (NM_001081955.3); short protein forms E552K, E555K.
Identifiers: ClinVar variation 1896850 (VCV001896850.4), dbSNP rs866789885, ClinGen allele CA293084245.